The following is an entry in ClinVar:

ClinVar aggregate classification (germline): Uncertain significance (1 of 4 stars; one submission).

Conditions:
Brugada syndrome. Also called: Sudden unexplained nocturnal death syndrome; Sudden unexpected nocturnal death syndrome; Sudden Unexplained Death Syndrome; Sudden Unexplained Nocturnal Death Syndrome (SUNDS). Identifiers: Orphanet 130, MedGen C1142166, MONDO:0015263.

Submission:

Labcorp Genetics (formerly Invitae), Labcorp
Classification: Uncertain significance for Brugada syndrome. Last evaluated: 2016-01-06. Review status: criteria provided, single submitter. Criteria: Invitae Variant Classification Sherloc (09022015). Collection method: clinical testing. Allele origin: germline.
Comment: A gross duplication of the genomic region encompassing the full coding sequence of the KCNE5 gene has been identified. This variant is not present in population databases and has not been reported in the literature in individuals with a KCNE5-related disease. In summary, this is a whole gene duplication with uncertain impact on protein function. It has been classified as a Variant of Uncertain Significance.

NM_012282.3(KCNE5):c.-144-?_*892dup1465

Gene: KCNE5 (potassium voltage-gated channel subfamily E regulatory subunit 5; minus strand).
Variant type: Duplication.
Coding change: c.-144-?_*892dup1465 on transcript NM_012282.3.
Identifiers: ClinVar variation 240860 (VCV000240860.1).